The following is an entry in ClinVar:

ClinVar aggregate classification (germline): Uncertain significance (1 of 4 stars; one submission).

Conditions:
Glycogen storage disease type III (GSD3). Also called: Cori disease; FORBES DISEASE. Identifiers: Orphanet 366, MedGen C0017922, MONDO:0009291, OMIM 232400.

Allele frequency attached by ClinVar (database versions not stated): gnomAD exomes below 0.00001; TOPMed below 0.00001.
gnomAD v4.1: 3 of 1,610,078 alleles (0.00019%); highest among the groups gnomAD compares: African/African-American, 0.004%; no homozygotes.

Submission:

Labcorp Genetics (formerly Invitae), Labcorp
Classification: Uncertain significance for Glycogen storage disease type III. Last evaluated: 2022-08-09. Review status: criteria provided, single submitter. Criteria: Invitae Variant Classification Sherloc (09022015). Collection method: clinical testing. Allele origin: germline.
Comment: This sequence change replaces alanine, which is neutral and non-polar, with glycine, which is neutral and non-polar, at codon 1120 of the AGL protein (p.Ala1120Gly). This variant is not present in population databases (gnomAD no frequency). This variant has not been reported in the literature in individuals affected with AGL-related conditions. ClinVar contains an entry for this variant (Variation ID: 526596). Algorithms developed to predict the effect of missense changes on protein structure and function are either unavailable or do not agree on the potential impact of this missense change (SIFT: "Tolerated"; PolyPhen-2: "Probably Damaging"; Align-GVGD: "Class C0"). Algorithms developed to predict the effect of sequence changes on RNA splicing suggest that this variant may disrupt the consensus splice site. In summary, the available evidence is currently insufficient to determine the role of this variant in disease. Therefore, it has been classified as a Variant of Uncertain Significance.

NM_000642.3(AGL):c.3359C>G (p.Ala1120Gly)

Gene: AGL (amylo-alpha-1,6-glucosidase and 4-alpha-glucanotransferase; plus strand). Cytogenetic location: 1p21.2.
Variant type: single nucleotide variant.
Coding change: c.3359C>G on transcript NM_000642.3 (MANE Select); coding-DNA position 3359, C replaced by G.
Protein change: p.Ala1120Gly; replaces alanine 1120 with glycine.
Molecular consequence: missense variant.
Genome position (GRCh38, 1-based): chr1:99,896,385, C>G. VCF-style: chr1-99896385-C-G. GRCh37 (hg19) VCF-style: chr1-100361941-C-G.
Other names: c.3359C>G, p.Ala1120Gly (NM_000028.3, NM_000643.3, NM_000644.3 and 1 more transcripts); c.3311C>G, p.Ala1104Gly (NM_000646.3); c.3338C>G, p.Ala1113Gly (NM_001425326.1); c.3158C>G, p.Ala1053Gly (NM_001425327.1); c.3155C>G, p.Ala1052Gly (NM_001425328.1); c.3020C>G, p.Ala1007Gly (NM_001425329.1); c.2981C>G, p.Ala994Gly (NM_001425332.1); short protein forms A1120G, A1104G, A1007G, A1052G, A1053G, A1113G, A994G.
Identifiers: ClinVar variation 526596 (VCV000526596.6), dbSNP rs1233797859, ClinGen allele CA341329006.